The following is an entry in ClinVar:

NM_006389.5(HYOU1):c.1939C>T (p.Pro647Ser)

Gene: HYOU1 (hypoxia up-regulated 1; minus strand). Cytogenetic location: 11q23.3.
Variant type: single nucleotide variant.
Coding change: c.1939C>T on transcript NM_006389.5 (MANE Select); coding-DNA position 1939, C replaced by T.
Protein change: p.Pro647Ser; replaces proline 647 with serine.
Molecular consequence: missense variant.
Genome position (GRCh38, 1-based): chr11:119,049,071, G>A on the plus strand (C>T on the coding strand, the complement: HYOU1 is on the minus strand). VCF-style: chr11-119049071-G-A. GRCh37 (hg19) VCF-style: chr11-118919783-G-A.
Other names: c.1939C>T, p.Pro647Ser (NM_001130991.3, NM_001411041.1); short protein forms P647S.
Identifiers: ClinVar variation 2819469 (VCV002819469.3), dbSNP rs2497128823, ClinGen allele CA382930631.

ClinVar aggregate classification (germline): Uncertain significance (1 of 4 stars; one submission).

Allele frequency attached by ClinVar (database versions not stated): gnomAD exomes below 0.00001.
gnomAD v4.1: 1 of 1,614,144 alleles (0.000062%); highest among the groups gnomAD compares: Non-Finnish European, 0.000085%; no homozygotes.

Submission:

Labcorp Genetics (formerly Invitae), Labcorp
Classification: Uncertain significance. Last evaluated: 2023-03-28. Review status: criteria provided, single submitter. Criteria: Invitae Variant Classification Sherloc (09022015). Collection method: clinical testing. Allele origin: germline.
Comment: In summary, the available evidence is currently insufficient to determine the role of this variant in disease. Therefore, it has been classified as a Variant of Uncertain Significance. Algorithms developed to predict the effect of missense changes on protein structure and function output the following: SIFT: "Not Available"; PolyPhen-2: "Benign"; Align-GVGD: "Not Available". The serine amino acid residue is found in multiple mammalian species, which suggests that this missense change does not adversely affect protein function. This variant has not been reported in the literature in individuals affected with HYOU1-related conditions. This variant is not present in population databases (gnomAD no frequency). This sequence change replaces proline, which is neutral and non-polar, with serine, which is neutral and polar, at codon 647 of the HYOU1 protein (p.Pro647Ser).